The following is an entry in ClinVar:

ClinVar aggregate classification (germline): Likely benign. Review status: criteria provided, multiple submitters, no conflicts (2 of 4 stars). 2 submissions from 2 submitters: Likely benign (2). Last evaluated 2024-08-01.

Conditions:
Juvenile polyposis syndrome (JPS). Identifiers: Orphanet 2929, MedGen C0345893, MONDO:0017380, OMIM 174900.

Allele frequency attached by ClinVar (database versions not stated): gnomAD exomes below 0.00001.
gnomAD v4.1: 1 of 1,611,982 alleles (0.000062%); highest among the groups gnomAD compares: Non-Finnish European, 0.000085%; no homozygotes.

Submissions (2):

Myriad Genetics, Inc.
Classification: Likely benign for Juvenile polyposis syndrome. Last evaluated: 2024-08-01. Review status: criteria provided, single submitter. Criteria: Myriad Autosomal Dominant, Autosomal Recessive and X-Linked Classification Criteria (2023). Collection method: clinical testing. Allele origin: unknown.
Comment: This variant is considered likely benign. This variant is intronic and is not expected to impact mRNA splicing.

Labcorp Genetics (formerly Invitae), Labcorp
Classification: Likely benign for Juvenile polyposis syndrome. Last evaluated: 2024-06-04. Review status: criteria provided, single submitter. Criteria: Invitae Variant Classification Sherloc (09022015). Collection method: clinical testing. Allele origin: germline.

NM_004329.3(BMPR1A):c.531-20G>A

Gene: BMPR1A (bone morphogenetic protein receptor type 1A; plus strand). Cytogenetic location: 10q23.2.
Variant type: single nucleotide variant.
Coding change: c.531-20G>A on transcript NM_004329.3 (MANE Select); 20 bases into the intron before coding-DNA position 531, G replaced by A.
Molecular consequence: intron variant.
Genome position (GRCh38, 1-based): chr10:86,912,220, G>A. VCF-style: chr10-86912220-G-A. GRCh37 (hg19) VCF-style: chr10-88671977-G-A.
Identifiers: ClinVar variation 1626687 (VCV001626687.9), dbSNP rs2133543335, ClinGen allele CA2573145686.